The following is an entry in ClinVar:

NM_004100.5(EYA4):c.1248T>C (p.Leu416=)

Genes: EYA4 (EYA transcriptional coactivator and phosphatase 4; plus strand), TARID (TCF21 antisense RNA inducing promoter demethylation; minus strand), LOC126859796 (MED14-independent group 3 enhancer GRCh37_chr6:133826289-133827488; plus strand). Cytogenetic location: 6q23.2.
Variant type: single nucleotide variant.
Coding change: c.1248T>C on transcript NM_004100.5 (MANE Select); coding-DNA position 1248, T replaced by C.
Protein change: p.Leu416=; no amino-acid change (leucine 416 retained).
Molecular consequence: synonymous variant. On other transcripts: non-coding transcript variant (1).
Genome position (GRCh38, 1-based): chr6:133,506,162, T>C. VCF-style: chr6-133506162-T-C. GRCh37 (hg19) VCF-style: chr6-133827300-T-C.
Other names: c.1086T>C, p.Leu362= (NM_001301012.2); c.1266T>C, p.Leu422= (NM_001301013.2); c.1179T>C, p.Leu393= (NM_001370458.1, NM_172103.4); c.1104T>C, p.Leu368= (NM_001370459.1); c.1248T>C, p.Leu416= (NM_172105.4).
Identifiers: ClinVar variation 2563261 (VCV002563261.6), dbSNP rs2535224598, ClinGen allele CA452199953.
Genomic context (GRCh38, chr6:133,506,162, plus strand): 5'-ACAGGATCCCCCCATGGCTGTAACCCTTGGACTCCGCATGGAAGAAATGATTTTTAATCT[T>C]GCTGATACTCATTTGTTTTTTAATGATTTAGAGGTAAGAATTTTACAAGGTACAAATAGT-3'
Protein context (NP_004091.3, residues 406-426): GLRMEEMIFN[Leu416=]ADTHLFFNDL

ClinVar aggregate classification (germline): Likely benign. Review status: criteria provided, multiple submitters, no conflicts (2 of 4 stars). 3 submissions from 3 submitters: Likely benign (2). 1 of the submissions does not count toward it. Last evaluated 2024-11-19.

Conditions:
Dilated cardiomyopathy 1J (CMD1J). Also called: CARDIOMYOPATHY, DILATED, WITH SENSORINEURAL HEARING LOSS, AUTOSOMAL DOMINANT. Identifiers: Orphanet 217622, MedGen C1854368, MONDO:0011541, OMIM 605362.
EYA4-related disorder. Also called: EYA4-related disorders; EYA4-related condition. Identifiers: MedGen CN239388.
Cardiovascular phenotype. Identifiers: MedGen CN230736.

Submissions (3):

Labcorp Genetics (formerly Invitae), Labcorp
Classification: Likely benign for Dilated cardiomyopathy 1J. Last evaluated: 2024-11-19. Review status: criteria provided, single submitter. Criteria: Invitae Variant Classification Sherloc (09022015). Collection method: clinical testing. Allele origin: germline.

Ambry Genetics
Classification: Likely benign for Cardiovascular phenotype. Last evaluated: 2023-03-24. Review status: criteria provided, single submitter. Criteria: Ambry Variant Classification Scheme 2023. Collection method: clinical testing. Allele origin: germline.

PreventionGenetics, part of Exact Sciences
Classification: Likely benign for EYA4-related condition. Last evaluated: 2021-02-17. Review status: no assertion criteria provided. Collection method: clinical testing. Allele origin: germline. Not counted in ClinVar's aggregate classification.
Comment: This variant is classified as likely benign based on ACMG/AMP sequence variant interpretation guidelines (Richards et al. 2015 PMID: 25741868, with internal and published modifications).